The following is an entry in ClinVar:

NM_032444.4(SLX4):c.1462G>A (p.Ala488Thr)

Gene: SLX4 (SLX4 structure-specific endonuclease subunit; minus strand). Cytogenetic location: 16p13.3.
Variant type: single nucleotide variant.
Coding change: c.1462G>A on transcript NM_032444.4 (MANE Select); coding-DNA position 1462, G replaced by A.
Protein change: p.Ala488Thr; replaces alanine 488 with threonine.
Molecular consequence: missense variant.
Genome position (GRCh38, 1-based): chr16:3,597,600, C>T on the plus strand (G>A on the coding strand, the complement: SLX4 is on the minus strand). VCF-style: chr16-3597600-C-T. GRCh37 (hg19) VCF-style: chr16-3647601-C-T.
Other names: short protein forms A488T.
Identifiers: ClinVar variation 1478906 (VCV001478906.8), dbSNP rs2040677379, ClinGen allele CA394529020.

ClinVar aggregate classification (germline): Uncertain significance (1 of 4 stars; one submission).

Conditions:
Fanconi anemia (FA). Also called: Fanconi's anemia. Identifiers: Orphanet 84, MedGen C0015625, MeSH D005199, MONDO:0019391.

Allele frequency attached by ClinVar (database versions not stated): gnomAD exomes below 0.00001; TOPMed below 0.00001; gnomAD 0.00001.
gnomAD v4.1: 7 of 1,614,008 alleles (0.00043%); highest among the groups gnomAD compares: Non-Finnish European, 0.00059%; no homozygotes.

Submission:

Labcorp Genetics (formerly Invitae), Labcorp
Classification: Uncertain significance for Fanconi anemia. Last evaluated: 2021-05-25. Review status: criteria provided, single submitter. Criteria: Invitae Variant Classification Sherloc (09022015). Collection method: clinical testing. Allele origin: germline.
Comment: In summary, the available evidence is currently insufficient to determine the role of this variant in disease. Therefore, it has been classified as a Variant of Uncertain Significance. Algorithms developed to predict the effect of missense changes on protein structure and function are either unavailable or do not agree on the potential impact of this missense change (SIFT: "Deleterious"; PolyPhen-2: "Probably Damaging"; Align-GVGD: "Class C0"). This variant has not been reported in the literature in individuals with SLX4-related conditions. This variant is not present in population databases (ExAC no frequency). This sequence change replaces alanine with threonine at codon 488 of the SLX4 protein (p.Ala488Thr). The alanine residue is moderately conserved and there is a small physicochemical difference between alanine and threonine.